The following is an entry in ClinVar:

ClinVar aggregate classification (germline): Uncertain significance. Review status: criteria provided, multiple submitters, no conflicts (2 of 4 stars). 9 submissions from 9 submitters: Uncertain significance (8). 1 of the submissions does not count toward it. Last evaluated 2026-07-01.

Conditions:
Inborn genetic diseases. Identifiers: MedGen C0950123, MeSH D030342.
Hereditary hyperinsulinism.
Diabetes mellitus, permanent neonatal 3. Also called: ABCC8-Related Permanent Neonatal Diabetes Mellitus. Identifiers: MedGen C5394303, MONDO:0030088, OMIM 618857.
Type 2 diabetes mellitus. Also called: Type II diabetes mellitus. Identifiers: MedGen C0011860, MeSH D003924, MONDO:0005148, OMIM 125853, HP:0005978.
Diabetes mellitus, transient neonatal, 2 (TNDM2). Identifiers: Orphanet 99886, MedGen C1835887, MONDO:0012480, OMIM 610374. Disease mechanism: loss of function.
Hyperinsulinemic hypoglycemia, familial, 1 (HHF1). Also called: Persistent hyperinsulinemic hypoglycemia of infancy; NESIDIOBLASTOSIS OF PANCREAS; HYPERINSULINISM, FAMILIAL, WITH PANCREATIC NESIDIOBLASTOSIS; HYPOGLYCEMIA, HYPERINSULINEMIC, OF INFANCY; Persistent Hyperinsulinemia Hypoglycemia of Infancy. Identifiers: Orphanet 276575, Orphanet 276598, MedGen C2931832, MONDO:0009734, OMIM 256450.
Leucine-induced hypoglycemia (LIH). Also called: LEUCINE-SENSITIVE HYPOGLYCEMIA OF INFANCY. Identifiers: MedGen C0271714, MONDO:0009415, OMIM 240800.
Maturity-onset diabetes of the young (MODY). Also called: Maturity onset diabetes mellitus in young. Identifiers: Orphanet 552, MedGen C0342276, MONDO:0018911, HP:0004904.

Allele frequency attached by ClinVar (database versions not stated): ESP Exome Variant Server 0.00008; gnomAD 0.00011; gnomAD exomes 0.00013 and 0.00022; ExAC 0.00014; TOPMed 0.00019.
gnomAD v4.1: 215 of 1,613,100 alleles (0.013%); highest among the groups gnomAD compares: East Asian, 0.14%; 2 homozygotes.

Submissions (9):

CeGaT Center for Human Genetics Tuebingen
Classification: Uncertain significance. Last evaluated: 2026-07-01. Review status: criteria provided, single submitter. Criteria: CeGaT Center For Human Genetics Tuebingen Variant Classification Criteria Version 2. Collection method: clinical testing. Allele origin: germline. Affected: yes. Observed: 2 variant alleles.
Comment: ABCC8: PS4, BS1:Supporting

Women's Health and Genetics/Laboratory Corporation of America, LabCorp
Classification: Uncertain significance. Last evaluated: 2025-11-06. Review status: criteria provided, single submitter. Criteria: LabCorp Variant Classification Summary - May 2015. Collection method: clinical testing. Allele origin: germline.
Comment: Variant summary: ABCC8 c.892C>T (p.Arg298Cys) results in a non-conservative amino acid change in the encoded protein sequence. Algorithms developed to predict the effect of missense changes on protein structure and function all suggest that this variant is likely to be disruptive. The variant allele was found at a frequency of 0.00013 in 1613100 control chromosomes, predominantly at a frequency of 0.0014 within the East Asian subpopulation in the gnomAD database. This frequency is not significantly higher than estimated for disease-causing variants in ABCC8, allowing no conclusion about variant significance. c.892C>T has been observed in individuals affected with Congenital Hyperinsulinism, Diabetes, and other related conditions (e.g. Mohnike_2014, Snider_2013, Bonnefond_2020, Hopkins_2023, Yu_2023). These reports do not provide unequivocal conclusions about association of the variant with disease. To our knowledge, no experimental evidence demonstrating an impact on protein function has been reported. The following publications have been ascertained in the context of this evaluation (PMID: 33046911, 26221353, 36239000, 24401662, 23275527, 37327085). ClinVar contains an entry for this variant (Variation ID: 633025). Based on the evidence outlined above, the variant was classified as uncertain significance.

Labcorp Genetics (formerly Invitae), Labcorp
Classification: Uncertain significance. Last evaluated: 2024-12-17. Review status: criteria provided, single submitter. Criteria: Invitae Variant Classification Sherloc (09022015). Collection method: clinical testing. Allele origin: germline.
Comment: This sequence change replaces arginine, which is basic and polar, with cysteine, which is neutral and slightly polar, at codon 298 of the ABCC8 protein (p.Arg298Cys). This variant is present in population databases (rs144705160, gnomAD 0.08%), including at least one homozygous and/or hemizygous individual. This missense change has been observed in individual(s) with autosomal dominant ABCC8-related conditions (PMID: 23275527, 24401662, 31291970, 33046911, 33300273, 36239000). ClinVar contains an entry for this variant (Variation ID: 633025). Invitae Evidence Modeling of protein sequence and biophysical properties (such as structural, functional, and spatial information, amino acid conservation, physicochemical variation, residue mobility, and thermodynamic stability) indicates that this missense variant is expected to disrupt ABCC8 protein function with a positive predictive value of 80%. In summary, the available evidence is currently insufficient to determine the role of this variant in disease. Therefore, it has been classified as a Variant of Uncertain Significance.

Fulgent Genetics
Classification: Uncertain significance for Type 2 diabetes mellitus; Leucine-induced hypoglycemia; Hyperinsulinemic hypoglycemia, familial, 1; Diabetes mellitus, transient neonatal, 2; Diabetes mellitus, permanent neonatal 3. Last evaluated: 2024-03-21. Review status: criteria provided, single submitter. Criteria: ACMG Guidelines, 2015. Collection method: clinical testing. Allele origin: germline.

GeneDx
Classification: Uncertain significance. Last evaluated: 2023-03-23. Review status: criteria provided, single submitter. Criteria: GeneDx Variant Classification Process June 2021. Collection method: clinical testing. Allele origin: germline. Affected: yes.
Comment: In silico analysis, which includes protein predictors and evolutionary conservation, supports that this variant does not alter protein structure/function; This variant is associated with the following publications: (PMID: 24401662, 26221353, 34426522, 33046911, 31291970, 23275527, 33300273)

Molecular Genetics, Royal Melbourne Hospital
Classification: Uncertain significance for Maturity-onset diabetes of the young. Last evaluated: 2022-11-03. Review status: criteria provided, single submitter. Criteria: ACMG Guidelines, 2015. Collection method: clinical testing. Allele origin: germline. Affected: yes.
Comment: This sequence change in ABCC8 is predicted to replace arginine with cysteine at codon 298, p.(Arg298Cys). The arginine residue is moderately conserved (61/100 vertebrates, UCSC), and is located in the linker region adjacent to the transmembrane domain. There is a large physicochemical difference between arginine and cysteine. The highest population minor allele frequency in the population database gnomAD v2.1 is 0.045% (16/35,434, including one homozygote) in the Latino/Admixed American population. This variant has been reported in at least three heterozygous probands with young-onset diabetes mellitus type 2 (PMID: 33300273, 31291970, 33046911). Multiple lines of computational evidence have conflicting predictions for the missense substitution (4/6 algorithms predict this variant to be deleterious). Based on the classification scheme RMH Modified ACMG Guidelines v1.5.1, this variant is classified as a VARIANT OF UNCERTAIN SIGNIFICANCE. Following criteria are met: none.

Ambry Genetics
Classification: Uncertain significance for Inborn genetic diseases. Last evaluated: 2021-08-27. Review status: criteria provided, single submitter. Criteria: Ambry Variant Classification Scheme 2023. Collection method: clinical testing. Allele origin: germline.
Comment: (Mohnike, 2014) Based on insufficient or conflicting evidence, the clinical significance of this alteration remains unclear.

Genetic Services Laboratory, University of Chicago
Classification: Uncertain significance. Last evaluated: 2017-07-11. Review status: criteria provided, single submitter. Criteria: ACMG Guidelines, 2015. Collection method: clinical testing. Allele origin: germline. Affected: no.

Natera, Inc.
Classification: Uncertain significance for Hereditary hyperinsulinism. Last evaluated: 2020-04-22. Review status: no assertion criteria provided. Collection method: clinical testing. Allele origin: germline. Not counted in ClinVar's aggregate classification.

Literature cited by the submitters: PubMed 23275527 (cited by Women's Health and Genetics/Laboratory Corporation of America, LabCorp and Labcorp Genetics (formerly Invitae), Labcorp); PubMed 26221353 (cited by Women's Health and Genetics/Laboratory Corporation of America, LabCorp); PubMed 24401662 (cited by 3 submitters); PubMed 33046911 (cited by 3 submitters); PubMed 36239000 (cited by Women's Health and Genetics/Laboratory Corporation of America, LabCorp and Labcorp Genetics (formerly Invitae), Labcorp); PubMed 37327085 (cited by Women's Health and Genetics/Laboratory Corporation of America, LabCorp); PubMed 31291970 (cited by Labcorp Genetics (formerly Invitae), Labcorp and Molecular Genetics, Royal Melbourne Hospital); PubMed 33300273 (cited by Labcorp Genetics (formerly Invitae), Labcorp and Molecular Genetics, Royal Melbourne Hospital).

NM_000352.6(ABCC8):c.892C>T (p.Arg298Cys)

Gene: ABCC8 (ATP binding cassette subfamily C member 8; minus strand). Cytogenetic location: 11p15.1.
Variant type: single nucleotide variant.
Coding change: c.892C>T on transcript NM_000352.6 (MANE Select); coding-DNA position 892, C replaced by T.
Protein change: p.Arg298Cys; replaces arginine 298 with cysteine.
Molecular consequence: missense variant. On other transcripts: non-coding transcript variant (1).
Genome position (GRCh38, 1-based): chr11:17,460,607, G>A on the plus strand (C>T on the coding strand, the complement: ABCC8 is on the minus strand). VCF-style: chr11-17460607-G-A. GRCh37 (hg19) VCF-style: chr11-17482154-G-A.
Other names: c.892C>T, p.Arg298Cys (NM_001287174.3, NM_001351295.2); c.889C>T, p.Arg297Cys (NM_001351296.2, NM_001351297.2); short protein forms R298C, R297C.
Identifiers: ClinVar variation 633025 (VCV000633025.54), dbSNP rs144705160, ClinGen allele CA5903733.